The following is an entry in ClinVar:

NM_000059.4(BRCA2):c.4895G>C (p.Ser1632Thr)

Gene: BRCA2 (BRCA2 DNA repair associated; plus strand). Cytogenetic location: 13q13.1.
Variant type: single nucleotide variant.
Coding change: c.4895G>C on transcript NM_000059.4 (MANE Select); coding-DNA position 4895, G replaced by C.
Protein change: p.Ser1632Thr; replaces serine 1632 with threonine.
Molecular consequence: missense variant.
Genome position (GRCh38, 1-based): chr13:32,339,250, G>C. VCF-style: chr13-32339250-G-C. GRCh37 (hg19) VCF-style: chr13-32913387-G-C.
Other names: short protein forms S1632T.
Identifiers: ClinVar variation 825264 (VCV000825264.16), dbSNP rs1593903713, ClinGen allele CA387783536.
Genomic context (GRCh38, chr13:32,339,250, plus strand): 5'-CACCTAAGCTCTTAAGTGATAATTTATGTAGACAAACTGAAAATCTCAAAACATCAAAAA[G>C]TATCTTTTTGAAAGTTAAAGTACATGAAAATGTAGAAAAAGAAACAGCAAAAAGTCCTGC-3'
Protein context (NP_000050.3, residues 1622-1642): RQTENLKTSK[Ser1632Thr]IFLKVKVHEN

ClinVar aggregate classification (germline): Conflicting classifications of pathogenicity. Review status: criteria provided, conflicting classifications (1 of 4 stars). 5 submissions from 5 submitters: Uncertain significance (3); Likely benign (2). Last evaluated 2025-10-29.

Conditions:
Hereditary breast ovarian cancer syndrome. Also called: Hereditary breast and ovarian cancer; Hereditary breast and/or ovarian cancer syndrome; BRCA1- and BRCA2-Associated Hereditary Breast and Ovarian Cancer; Breast and ovarian cancer; Hereditary breast and ovarian cancer syndrome; Hereditary breast and ovarian cancer syndrome (HBOC). Identifiers: Orphanet 145, MedGen C0677776, MeSH D061325, MONDO:0003582. Disease mechanism: loss of function.
Hereditary cancer-predisposing syndrome. Also called: Neoplastic Syndromes, Hereditary; Tumor predisposition; Hereditary Cancer Syndrome; Hereditary neoplastic syndrome. Identifiers: Orphanet 140162, MedGen C0027672, MeSH D009386, MONDO:0015356.

Submissions (5):

Labcorp Genetics (formerly Invitae), Labcorp
Classification: Uncertain significance for Hereditary breast ovarian cancer syndrome. Last evaluated: 2025-10-29. Review status: criteria provided, single submitter. Criteria: Invitae Variant Classification Sherloc (09022015). Collection method: clinical testing. Allele origin: germline.
Comment: This sequence change replaces serine, which is neutral and polar, with threonine, which is neutral and polar, at codon 1632 of the BRCA2 protein (p.Ser1632Thr). This variant is not present in population databases (gnomAD no frequency). This variant has not been reported in the literature in individuals affected with BRCA2-related conditions. ClinVar contains an entry for this variant (Variation ID: 825264). Invitae Evidence Modeling of protein sequence and biophysical properties (such as structural, functional, and spatial information, amino acid conservation, physicochemical variation, residue mobility, and thermodynamic stability) indicates that this missense variant is not expected to disrupt BRCA2 protein function with a negative predictive value of 95%. In summary, the available evidence is currently insufficient to determine the role of this variant in disease. Therefore, it has been classified as a Variant of Uncertain Significance.

Color Diagnostics, LLC DBA Color Health
Classification: Uncertain significance for Hereditary cancer-predisposing syndrome. Last evaluated: 2023-12-04. Review status: criteria provided, single submitter. Criteria: ACMG Guidelines, 2015. Collection method: clinical testing. Allele origin: germline.
Comment: This missense variant replaces serine with threonine at codon 1632 of the BRCA2 protein. Computational prediction suggests that this variant may not impact protein structure and function (internally defined REVEL score threshold <= 0.5, PMID: 27666373). To our knowledge, functional studies have not been reported for this variant. This variant has not been reported in individuals affected with BRCA2-related disorders in the literature. This variant has not been identified in the general population by the Genome Aggregation Database (gnomAD). The available evidence is insufficient to determine the role of this variant in disease conclusively. Therefore, this variant is classified as a Variant of Uncertain Significance.

Blueprint Genetics
Classification: Likely benign. Last evaluated: 2023-06-02. Review status: criteria provided, single submitter. Criteria: ACMG Guidelines, 2015. Collection method: clinical testing. Allele origin: germline.

University of Washington Department of Laboratory Medicine, University of Washington
Classification: Likely benign for Hereditary cancer-predisposing syndrome. Last evaluated: 2023-03-23. Review status: criteria provided, single submitter. Criteria: Dines et al. (Genet Med. 2020). Collection method: curation. Allele origin: germline.
Comment: Missense variant in a coldspot region where missense variants are very unlikely to be pathogenic (PMID:31911673).

BRCA2 exon 11 coldspot. Reclassification based on statistical prior probability.

Ambry Genetics
Classification: Uncertain significance for Hereditary cancer-predisposing syndrome. Last evaluated: 2019-03-26. Review status: criteria provided, single submitter. Criteria: Ambry Variant Classification Scheme 2023. Collection method: clinical testing. Allele origin: germline.
Comment: The p.S1632T variant (also known as c.4895G>C), located in coding exon 10 of the BRCA2 gene, results from a G to C substitution at nucleotide position 4895. The serine at codon 1632 is replaced by threonine, an amino acid with similar properties. This amino acid position is not well conserved in available vertebrate species. In addition, this alteration is predicted to be tolerated by in silico analysis. Since supporting evidence is limited at this time, the clinical significance of this alteration remains unclear.